The following is an entry in ClinVar:

ClinVar aggregate classification (germline): Uncertain significance. Review status: criteria provided, multiple submitters, no conflicts (2 of 4 stars). 2 submissions from 2 submitters: Uncertain significance (2). Last evaluated 2025-05-20.

Conditions:
Cardiovascular phenotype. Identifiers: MedGen CN230736.
Dilated cardiomyopathy 1JJ (CMD1JJ). Identifiers: Orphanet 154, MedGen C3808935, MONDO:0014095, OMIM 615235.

Allele frequency attached by ClinVar (database versions not stated): TOPMed below 0.00001; gnomAD exomes 0.00001.
gnomAD v4.1: 18 of 1,613,100 alleles (0.0011%); highest among the groups gnomAD compares: Non-Finnish European, 0.0014%; no homozygotes.

Submissions (2):

Ambry Genetics
Classification: Uncertain significance for Cardiovascular phenotype. Last evaluated: 2025-05-20. Review status: criteria provided, single submitter. Criteria: Ambry Variant Classification Scheme 2023. Collection method: clinical testing. Allele origin: germline.
Comment: The p.K1289* variant (also known as c.3865A>T), located in coding exon 28 of the LAMA4 gene, results from an A to T substitution at nucleotide position 3865. This changes the amino acid from a lysine to a stop codon within coding exon 28. This alteration is expected to result in protein truncation or nonsense-mediated mRNA decay. However, loss of function of LAMA4 has not been established as a mechanism of disease. The evidence for this gene-disease relationship is limited; therefore, the clinical significance of this alteration is unclear.

Labcorp Genetics (formerly Invitae), Labcorp
Classification: Uncertain significance for Dilated cardiomyopathy 1JJ. Last evaluated: 2022-06-16. Review status: criteria provided, single submitter. Criteria: Invitae Variant Classification Sherloc (09022015). Collection method: clinical testing. Allele origin: germline.
Comment: In summary, the available evidence is currently insufficient to determine the role of this variant in disease. Therefore, it has been classified as a Variant of Uncertain Significance. Algorithms developed to predict the effect of sequence changes on RNA splicing suggest that this variant may disrupt the consensus splice site. This variant has not been reported in the literature in individuals affected with LAMA4-related conditions. This variant is present in population databases (no rsID available, gnomAD 0.002%). This sequence change creates a premature translational stop signal (p.Lys1289*) in the LAMA4 gene. It is expected to result in an absent or disrupted protein product. However, the current clinical and genetic evidence is not sufficient to establish whether loss-of-function variants in LAMA4 cause disease.

NM_001105206.3(LAMA4):c.3886A>T (p.Lys1296Ter)

Gene: LAMA4 (laminin subunit alpha 4; minus strand). Cytogenetic location: 6q21.
Variant type: single nucleotide variant.
Coding change: c.3886A>T on transcript NM_001105206.3 (MANE Select); coding-DNA position 3886, A replaced by T.
Protein change: p.Lys1296Ter; replaces lysine 1296 with a stop codon.
Molecular consequence: nonsense.
Genome position (GRCh38, 1-based): chr6:112,131,050, T>A on the plus strand (A>T on the coding strand, the complement: LAMA4 is on the minus strand). VCF-style: chr6-112131050-T-A. GRCh37 (hg19) VCF-style: chr6-112452252-T-A.
Other names: c.3865A>T, p.Lys1289Ter (NM_001105207.3, NM_002290.5); short protein forms K1289*, K1296*.
Identifiers: ClinVar variation 2083038 (VCV002083038.5), dbSNP rs1339328946, ClinGen allele CA365374203.